The following is an entry in ClinVar:

NM_017617.5(NOTCH1):c.6067G>A (p.Ala2023Thr)

Genes: NOTCH1 (notch receptor 1; minus strand), LOC126860794 (BRD4-independent group 4 enhancer GRCh37_chr9:139392592-139393791; plus strand). Cytogenetic location: 9q34.3.
Variant type: single nucleotide variant.
Coding change: c.6067G>A on transcript NM_017617.5 (MANE Select); coding-DNA position 6067, G replaced by A.
Protein change: p.Ala2023Thr; replaces alanine 2023 with threonine.
Molecular consequence: missense variant.
Genome position (GRCh38, 1-based): chr9:136,499,127, C>T on the plus strand (G>A on the coding strand, the complement: NOTCH1 is on the minus strand). VCF-style: chr9-136499127-C-T. GRCh37 (hg19) VCF-style: chr9-139393579-C-T.
Other names: short protein forms A2023T.
Identifiers: ClinVar variation 1484779 (VCV001484779.6), dbSNP rs1181025067, ClinGen allele CA375634275.
Genomic context (GRCh38, chr9:136,499,127, plus strand): 5'-GCGGTCCCGCCCCACGACAGAGCAGCCGTGCCCCCGTGGGCTCACCCAGGTCATCTACGG[C>T]GTTGACGTCGGCGTGTGAGTTGATGAGGTCCTCCAGCATGCCCTCCACGGCCAGGCGGGC-3'
Protein context (NP_060087.3, residues 2013-2033): DLINSHADVN[Ala2023Thr]VDDLGKSALH

ClinVar aggregate classification (germline): Uncertain significance (1 of 4 stars; one submission).

Conditions:
Adams-Oliver syndrome 5 (AOS5). Identifiers: Orphanet 974, MedGen C4014970, MONDO:0014459, OMIM 616028.

Allele frequency attached by ClinVar (database versions not stated): gnomAD exomes below 0.00001 and 0.00001; gnomAD 0.00001; TOPMed 0.00002.
gnomAD v4.1: 18 of 1,613,056 alleles (0.0011%); highest among the groups gnomAD compares: South Asian, 0.0022%; no homozygotes.

Submission:

Labcorp Genetics (formerly Invitae), Labcorp
Classification: Uncertain significance for Adams-Oliver syndrome 5. Last evaluated: 2024-07-02. Review status: criteria provided, single submitter. Criteria: Invitae Variant Classification Sherloc (09022015). Collection method: clinical testing. Allele origin: germline.
Comment: This sequence change replaces alanine, which is neutral and non-polar, with threonine, which is neutral and polar, at codon 2023 of the NOTCH1 protein (p.Ala2023Thr). This variant is present in population databases (no rsID available, gnomAD 0.0009%). This variant has not been reported in the literature in individuals affected with NOTCH1-related conditions. ClinVar contains an entry for this variant (Variation ID: 1484779). Advanced modeling of protein sequence and biophysical properties (such as structural, functional, and spatial information, amino acid conservation, physicochemical variation, residue mobility, and thermodynamic stability) has been performed at Invitae for this missense variant, however the output from this modeling did not meet the statistical confidence thresholds required to predict the impact of this variant on NOTCH1 protein function. In summary, the available evidence is currently insufficient to determine the role of this variant in disease. Therefore, it has been classified as a Variant of Uncertain Significance.